The following is an entry in ClinVar:

ClinVar aggregate classification (germline): Likely benign. Review status: criteria provided, multiple submitters, no conflicts (2 of 4 stars). 2 submissions from 2 submitters: Likely benign (2). Last evaluated 2023-12-11.

Conditions:
Developmental and epileptic encephalopathy, 25 (DEE25). Also called: Developmental and epileptic encephalopathy 25, with amelogenesis imperfecta; Epileptic encephalopathy, early infantile, 25, with amelogenesis imperfecta; Epileptic encephalopathy, early infantile, 25. Identifiers: Orphanet 442835, MedGen C4014621, MONDO:0014392, OMIM 615905.

gnomAD v4.1: 3 of 1,609,372 alleles (0.00019%); highest among the groups gnomAD compares: Non-Finnish European, 0.00025%; no homozygotes.

Submissions (2):

Labcorp Genetics (formerly Invitae), Labcorp
Classification: Likely benign for Developmental and epileptic encephalopathy, 25. Last evaluated: 2023-12-11. Review status: criteria provided, single submitter. Criteria: Invitae Variant Classification Sherloc (09022015). Collection method: clinical testing. Allele origin: germline.

CeGaT Center for Human Genetics Tuebingen
Classification: Likely benign. Last evaluated: 2023-11-01. Review status: criteria provided, single submitter. Criteria: CeGaT Center For Human Genetics Tuebingen Variant Classification Criteria Version 2. Collection method: clinical testing. Allele origin: germline. Affected: yes. Observed: 1 variant allele.
Comment: SLC13A5: BP4, BP7

NM_177550.5(SLC13A5):c.1206C>G (p.Thr402=)

Gene: SLC13A5 (solute carrier family 13 member 5; minus strand). Cytogenetic location: 17p13.1.
Variant type: single nucleotide variant.
Coding change: c.1206C>G on transcript NM_177550.5 (MANE Select); coding-DNA position 1206, C replaced by G.
Protein change: p.Thr402=; no amino-acid change (threonine 402 retained).
Molecular consequence: synonymous variant.
Genome position (GRCh38, 1-based): chr17:6,693,113, G>C on the plus strand (C>G on the coding strand, the complement: SLC13A5 is on the minus strand). VCF-style: chr17-6693113-G-C. GRCh37 (hg19) VCF-style: chr17-6596432-G-C.
Other names: c.1206C>G, p.Thr402= (NM_001143838.3); c.1155C>G, p.Thr385= (NM_001284509.2); c.1077C>G, p.Thr359= (NM_001284510.2).
Identifiers: ClinVar variation 2672678 (VCV002672678.26), dbSNP rs143869456, ClinGen allele CA8331462.